The following is an entry in ClinVar:

NM_006269.2(RP1):c.3056C>A (p.Pro1019His)

Gene: RP1 (RP1 axonemal microtubule associated; plus strand). Cytogenetic location: 8q12.1.
Variant type: single nucleotide variant.
Coding change: c.3056C>A on transcript NM_006269.2 (MANE Select); coding-DNA position 3056, C replaced by A.
Protein change: p.Pro1019His; replaces proline 1019 with histidine.
Molecular consequence: missense variant. On other transcripts: intron variant (1).
Genome position (GRCh38, 1-based): chr8:54,626,938, C>A. VCF-style: chr8-54626938-C-A. GRCh37 (hg19) VCF-style: chr8-55539498-C-A.
Other names: c.787+4650C>A (NM_001375654.1); short protein forms P1019H.
Identifiers: ClinVar variation 1958911 (VCV001958911.6), dbSNP rs751854236, ClinGen allele CA4751634.

ClinVar aggregate classification (germline): Uncertain significance. Review status: criteria provided, multiple submitters, no conflicts (2 of 4 stars). 2 submissions from 2 submitters: Uncertain significance (2). Last evaluated 2024-11-25.

Allele frequency attached by ClinVar (database versions not stated): gnomAD 0.00001; TOPMed 0.00001.
gnomAD v4.1: 52 of 1,613,726 alleles (0.0032%); highest among the groups gnomAD compares: Non-Finnish European, 0.0042%; no homozygotes.

Submissions (2):

Blueprint Genetics
Classification: Uncertain significance. Last evaluated: 2024-11-25. Review status: criteria provided, single submitter. Criteria: ACMG Guidelines, 2015. Collection method: clinical testing. Allele origin: germline.

Labcorp Genetics (formerly Invitae), Labcorp
Classification: Uncertain significance. Last evaluated: 2022-12-30. Review status: criteria provided, single submitter. Criteria: Invitae Variant Classification Sherloc (09022015). Collection method: clinical testing. Allele origin: germline.
Comment: This variant is present in population databases (rs751854236, gnomAD 0.003%). This sequence change replaces proline, which is neutral and non-polar, with histidine, which is basic and polar, at codon 1019 of the RP1 protein (p.Pro1019His). This variant has not been reported in the literature in individuals affected with RP1-related conditions. In summary, the available evidence is currently insufficient to determine the role of this variant in disease. Therefore, it has been classified as a Variant of Uncertain Significance. Algorithms developed to predict the effect of missense changes on protein structure and function are either unavailable or do not agree on the potential impact of this missense change (SIFT: "Tolerated"; PolyPhen-2: "Possibly Damaging"; Align-GVGD: "Class C0").